The following is an entry in ClinVar:

NM_006514.4(SCN10A):c.365C>T (p.Thr122Met)

Gene: SCN10A (sodium voltage-gated channel alpha subunit 10; minus strand). Cytogenetic location: 3p22.2.
Variant type: single nucleotide variant.
Coding change: c.365C>T on transcript NM_006514.4 (MANE Select); coding-DNA position 365, C replaced by T.
Protein change: p.Thr122Met; replaces threonine 122 with methionine.
Molecular consequence: missense variant.
Genome position (GRCh38, 1-based): chr3:38,792,074, G>A on the plus strand (C>T on the coding strand, the complement: SCN10A is on the minus strand). VCF-style: chr3-38792074-G-A. GRCh37 (hg19) VCF-style: chr3-38833565-G-A.
Other names: c.365C>T, p.Thr122Met (NM_001293306.2, NM_001293307.2); short protein forms T122M.
Identifiers: ClinVar variation 240671 (VCV000240671.21), dbSNP rs142884499, ClinGen allele CA2321244.

ClinVar aggregate classification (germline): Conflicting classifications of pathogenicity. Review status: criteria provided, conflicting classifications (1 of 4 stars). 6 submissions from 6 submitters: Uncertain significance (2); Likely benign (4). Last evaluated 2026-01-12.

Conditions:
Cardiovascular phenotype. Identifiers: MedGen CN230736.
Episodic pain syndrome, familial, 2 (FEPS2). Identifiers: Orphanet 306577, MedGen C3809893, MONDO:0014246, OMIM 615551.
Brugada syndrome. Also called: Sudden unexpected nocturnal death syndrome; Sudden Unexplained Death Syndrome; Sudden Unexplained Nocturnal Death Syndrome (SUNDS); Sudden unexplained nocturnal death syndrome. Identifiers: Orphanet 130, MedGen C1142166, MONDO:0015263.

Allele frequency attached by ClinVar (database versions not stated): ESP Exome Variant Server 0.00008; gnomAD 0.00016; TOPMed 0.00016; 1000 Genomes Project 0.00040; 1000 Genomes Project 30x 0.00047.
gnomAD v4.1: 105 of 1,613,764 alleles (0.0065%); highest among the groups gnomAD compares: East Asian, 0.058%; no homozygotes.

Submissions (6):

Labcorp Genetics (formerly Invitae), Labcorp
Classification: Likely benign for Brugada syndrome. Last evaluated: 2026-01-12. Review status: criteria provided, single submitter. Criteria: Invitae Variant Classification Sherloc (09022015). Collection method: clinical testing. Allele origin: germline.

GeneDx
Classification: Uncertain significance. Last evaluated: 2025-08-25. Review status: criteria provided, single submitter. Criteria: GeneDx Variant Classification Process June 2021. Collection method: clinical testing. Allele origin: germline. Affected: yes.
Comment: In silico analysis suggests that this missense variant does not alter protein structure/function; This variant is associated with the following publications: (PMID: 35982159, 33057194)

Blueprint Genetics
Classification: Likely benign. Last evaluated: 2024-10-15. Review status: criteria provided, single submitter. Criteria: ACMG Guidelines, 2015. Collection method: clinical testing. Allele origin: germline.

Johns Hopkins Genomics, Johns Hopkins University
Classification: Likely benign for Episodic pain syndrome, familial, 2. Last evaluated: 2024-02-15. Review status: criteria provided, single submitter. Criteria: ACMG Guidelines, 2015. Collection method: clinical testing. Allele origin: germline.
Comment: PM2, BS2, BP6

Ambry Genetics
Classification: Likely benign for Cardiovascular phenotype. Last evaluated: 2021-07-29. Review status: criteria provided, single submitter. Criteria: Ambry Variant Classification Scheme 2023. Collection method: clinical testing. Allele origin: germline.

Stanford Center for Inherited Cardiovascular Disease, Stanford University
Classification: Uncertain significance. Last evaluated: 2016-02-19. Review status: criteria provided, single submitter. Criteria: ACMG Guidelines, 2015. Collection method: provider interpretation. Allele origin: germline.

Literature cited by the submitters: PubMed 23986244 (cited by Johns Hopkins Genomics, Johns Hopkins University); PubMed 36448457 (cited by Johns Hopkins Genomics, Johns Hopkins University).